The following is an entry in ClinVar:

ClinVar aggregate classification (germline): Conflicting classifications of pathogenicity. Review status: criteria provided, conflicting classifications (1 of 4 stars). 3 submissions from 3 submitters: Uncertain significance (2); Likely benign (1). Last evaluated 2024-10-22.

Conditions:
Cardiovascular phenotype. Identifiers: MedGen CN230736.

Allele frequency attached by ClinVar (database versions not stated): gnomAD exomes 0.00001 and 0.00002; 1000 Genomes Project 30x 0.00016; gnomAD 0.00019; 1000 Genomes Project 0.00020; TOPMed 0.00024.
gnomAD v4.1: 52 of 1,550,426 alleles (0.0034%); highest among the groups gnomAD compares: African/African-American, 0.064%; no homozygotes.

Submissions (3):

Ambry Genetics
Classification: Likely benign for Cardiovascular phenotype. Last evaluated: 2024-10-22. Review status: criteria provided, single submitter. Criteria: Ambry Variant Classification Scheme 2023. Collection method: clinical testing. Allele origin: germline.

Labcorp Genetics (formerly Invitae), Labcorp
Classification: Uncertain significance. Last evaluated: 2024-04-25. Review status: criteria provided, single submitter. Criteria: Invitae Variant Classification Sherloc (09022015). Collection method: clinical testing. Allele origin: germline.
Comment: This sequence change replaces leucine, which is neutral and non-polar, with valine, which is neutral and non-polar, at codon 1789 of the ZNF469 protein (p.Leu1789Val). This variant is present in population databases (rs559099409, gnomAD 0.04%). This variant has not been reported in the literature in individuals affected with ZNF469-related conditions. ClinVar contains an entry for this variant (Variation ID: 1306932). An algorithm developed to predict the effect of missense changes on protein structure and function (PolyPhen-2) suggests that this variant is likely to be disruptive. In summary, the available evidence is currently insufficient to determine the role of this variant in disease. Therefore, it has been classified as a Variant of Uncertain Significance.

GeneDx
Classification: Uncertain significance. Last evaluated: 2019-07-05. Review status: criteria provided, single submitter. Criteria: GeneDx Variant Classification Process June 2021. Collection method: clinical testing. Allele origin: germline. Affected: yes.
Comment: Has not been previously published as pathogenic or benign to our knowledge; In silico analysis, which includes protein predictors and evolutionary conservation, supports that this variant does not alter protein structure/function

NM_001367624.2(ZNF469):c.5449C>G (p.Leu1817Val)

Gene: ZNF469 (zinc finger protein 469; plus strand). Cytogenetic location: 16q24.2.
Variant type: single nucleotide variant.
Coding change: c.5449C>G on transcript NM_001367624.2 (MANE Select); coding-DNA position 5449, C replaced by G.
Protein change: p.Leu1817Val; replaces leucine 1817 with valine.
Molecular consequence: missense variant.
Genome position (GRCh38, 1-based): chr16:88,432,919, C>G. VCF-style: chr16-88432919-C-G. GRCh37 (hg19) VCF-style: chr16-88499327-C-G.
Other names: NM_001127464.1:c.5365C>G; short protein forms L1817V.
Identifiers: ClinVar variation 1306932 (VCV001306932.7), dbSNP rs559099409, ClinGen allele CA286380597.